The following is an entry in ClinVar:

NM_001142800.2(EYS):c.4660C>G (p.Gln1554Glu)

Gene: EYS (EGF-like photoreceptor maintenance factor; minus strand). Cytogenetic location: 6q12.
Variant type: single nucleotide variant.
Coding change: c.4660C>G on transcript NM_001142800.2 (MANE Select); coding-DNA position 4660, C replaced by G.
Protein change: p.Gln1554Glu; replaces glutamine 1554 with glutamic acid.
Molecular consequence: missense variant.
Genome position (GRCh38, 1-based): chr6:64,591,207, G>C on the plus strand (C>G on the coding strand, the complement: EYS is on the minus strand). VCF-style: chr6-64591207-G-C. GRCh37 (hg19) VCF-style: chr6-65301100-G-C.
Other names: c.4660C>G, p.Gln1554Glu (NM_001292009.2); short protein forms Q1554E.
Identifiers: ClinVar variation 1979695 (VCV001979695.4), dbSNP rs2533152899, ClinGen allele CA364782830.

ClinVar aggregate classification (germline): Uncertain significance (1 of 4 stars; one submission).

Submission:

Labcorp Genetics (formerly Invitae), Labcorp
Classification: Uncertain significance. Last evaluated: 2022-11-29. Review status: criteria provided, single submitter. Criteria: Invitae Variant Classification Sherloc (09022015). Collection method: clinical testing. Allele origin: germline.
Comment: Advanced modeling of protein sequence and biophysical properties (such as structural, functional, and spatial information, amino acid conservation, physicochemical variation, residue mobility, and thermodynamic stability) has been performed at Invitae for this missense variant, however the output from this modeling did not meet the statistical confidence thresholds required to predict the impact of this variant on EYS protein function. In summary, the available evidence is currently insufficient to determine the role of this variant in disease. Therefore, it has been classified as a Variant of Uncertain Significance. This variant is not present in population databases (gnomAD no frequency). This sequence change replaces glutamine, which is neutral and polar, with glutamic acid, which is acidic and polar, at codon 1554 of the EYS protein (p.Gln1554Glu). This variant has not been reported in the literature in individuals affected with EYS-related conditions.